The following is an entry in ClinVar:

NM_001253697.2(ERBIN):c.3227_3228delinsAG (p.Arg1076Gln)

Gene: ERBIN (erbb2 interacting protein; plus strand). Cytogenetic location: 5q12.3.
Variant type: Indel.
Coding change: c.3227_3228delinsAG on transcript NM_001253697.2 (MANE Select); coding-DNA positions 3227 to 3228, GA replaced by AG.
Protein change: p.Arg1076Gln; replaces arginine 1076 with glutamine.
Molecular consequence: missense variant.
Genome position (GRCh38, 1-based): chr5:66,054,545-66,054,546, GA replaced by AG. VCF-style: chr5-66054545-GA-AG. GRCh37 (hg19) VCF-style: chr5-65350373-GA-AG.
Other names: p.Arg1076Gln; c.3227_3228delinsAG, p.Arg1076Gln (NM_001006600.3, NM_001253698.2, NM_001253699.2 and 1 more transcripts); c.3215_3216delinsAG, p.Arg1072Gln (NM_001253701.2); short protein forms R1072Q, R1076Q.
Identifiers: ClinVar variation 1914246 (VCV001914246.6), dbSNP rs2546815264, ClinGen allele CA2580073433.

ClinVar aggregate classification (germline): Uncertain significance. Review status: criteria provided, multiple submitters, no conflicts (2 of 4 stars). 2 submissions from 2 submitters: Uncertain significance (2). Last evaluated 2025-10-29.

Submissions (2):

Labcorp Genetics (formerly Invitae), Labcorp
Classification: Uncertain significance. Last evaluated: 2025-10-29. Review status: criteria provided, single submitter. Criteria: Invitae Variant Classification Sherloc (09022015). Collection method: clinical testing. Allele origin: germline.
Comment: This sequence change replaces arginine, which is basic and polar, with glutamine, which is neutral and polar, at codon 1076 of the ERBIN protein (p.Arg1076Gln). This variant is present in population databases (no rsID available, gnomAD 0.002%). This missense change has been observed in individual(s) with autism spectrum disorder (PMID: 28191889). ClinVar contains an entry for this variant (Variation ID: 1914246). An algorithm developed to predict the effect of missense changes on protein structure and function (PolyPhen-2) suggests that this variant is likely to be disruptive. In summary, the available evidence is currently insufficient to determine the role of this variant in disease. Therefore, it has been classified as a Variant of Uncertain Significance.

Mayo Clinic Laboratories, Mayo Clinic
Classification: Uncertain significance. Last evaluated: 2024-05-14. Review status: criteria provided, single submitter. Criteria: ACMG Guidelines, 2015. Collection method: clinical testing. Allele origin: germline. Observed: 1 variant allele.
Comment: PM2

Literature cited by the submitters: PubMed 28191889 (cited by Labcorp Genetics (formerly Invitae), Labcorp and Mayo Clinic Laboratories, Mayo Clinic).